The following is an entry in ClinVar:

ClinVar aggregate classification (germline): Uncertain significance (1 of 4 stars; one submission).

Submission:

Ambry Genetics
Classification: Uncertain significance. Last evaluated: 2024-11-05. Review status: criteria provided, single submitter. Criteria: Ambry Variant Classification Scheme 2023. Collection method: clinical testing. Allele origin: germline.
Comment: The p.E85K variant (also known as c.253G>A), located in coding exon 1 of the MLH3 gene, results from a G to A substitution at nucleotide position 253. The glutamic acid at codon 85 is replaced by lysine, an amino acid with similar properties. This amino acid position is conserved. In addition, the in silico prediction for this alteration is inconclusive. Based on the available evidence, the clinical significance of this variant remains unclear.

NM_001040108.2(MLH3):c.253G>A (p.Glu85Lys)

Gene: MLH3 (mutL homolog 3; minus strand). Cytogenetic location: 14q24.3.
Variant type: single nucleotide variant.
Coding change: c.253G>A on transcript NM_001040108.2 (MANE Select); coding-DNA position 253, G replaced by A.
Protein change: p.Glu85Lys; replaces glutamic acid 85 with lysine.
Molecular consequence: missense variant.
Genome position (GRCh38, 1-based): chr14:75,049,403, C>T on the plus strand (G>A on the coding strand, the complement: MLH3 is on the minus strand). VCF-style: chr14-75049403-C-T. GRCh37 (hg19) VCF-style: chr14-75516106-C-T.
Other names: c.253G>A, p.Glu85Lys (NM_014381.3); short protein forms E85K.
Identifiers: ClinVar variation 3396601 (VCV003396601.1).